The following is an entry in ClinVar:

ClinVar aggregate classification (germline): Likely benign (1 of 4 stars; one submission).

Submission:

CeGaT Center for Human Genetics Tuebingen
Classification: Likely benign. Last evaluated: 2026-08-01. Review status: criteria provided, single submitter. Criteria: CeGaT Center For Human Genetics Tuebingen Variant Classification Criteria Version 2. Collection method: clinical testing. Allele origin: germline. Affected: yes. Observed: 1 variant allele.
Comment: USP53: PM2:Supporting, BP4, BP7

NM_001371395.1(USP53):c.1944G>A (p.Gln648=)

Gene: USP53 (ubiquitin specific peptidase 53; plus strand). Cytogenetic location: 4q26.
Variant type: single nucleotide variant.
Coding change: c.1944G>A on transcript NM_001371395.1 (MANE Select); coding-DNA position 1944, G replaced by A.
Protein change: p.Gln648=; no amino-acid change (glutamine 648 retained).
Molecular consequence: synonymous variant.
Genome position (GRCh38, 1-based): chr4:119,271,804, G>A. VCF-style: chr4-119271804-G-A. GRCh37 (hg19) VCF-style: chr4-120192959-G-A.
Other names: c.1596G>A, p.Gln532= (NM_001389666.1, NM_001389662.1, NM_001389663.1 and 1 more transcripts); c.1443G>A, p.Gln481= (NM_001389667.1, NM_001389665.1); c.1944G>A, p.Gln648= (NM_019050.3, NM_001371397.1, NM_001371398.1 and 3 more transcripts); c.1794G>A, p.Gln598= (NM_001389660.1); c.1791G>A, p.Gln597= (NM_001389661.1, NM_001371396.1).
Identifiers: ClinVar variation 5039818 (VCV005039818.1).
Genomic context (GRCh38, chr4:119,271,804, plus strand): 5'-GCCAAAAGAGAATCCAAAGCAAAAAGGTTTAATGACCATATATGAAGATGAAATGAAGCA[G>A]GAAATAGGAAGCAGAAGTTCCCTTGAATCTAATGGAAAAGGAGCAGAGAAAAATAAAGGC-3'
Protein context (NP_001358324.1, residues 638-658): LMTIYEDEMK[Gln648=]EIGSRSSLES